The following is an entry in ClinVar:

ClinVar aggregate classification (germline): Conflicting classifications of pathogenicity. Review status: criteria provided, conflicting classifications (1 of 4 stars). 4 submissions from 4 submitters: Uncertain significance (1); Likely benign (3). Last evaluated 2024-10-17.

Conditions:
Autosomal dominant nonsyndromic hearing loss 4A. Also called: Deafness, autosomal dominant 4A. Identifiers: Orphanet 90635, MedGen C1833503, MONDO:0010915, OMIM 600652.

Allele frequency attached by ClinVar (database versions not stated): gnomAD exomes 0.00002 and 0.00005; ExAC 0.00003; gnomAD 0.00004; TOPMed 0.00006; ESP Exome Variant Server 0.00008.
gnomAD v4.1: 73 of 1,605,348 alleles (0.0045%); highest among the groups gnomAD compares: Middle Eastern, 0.054%; no homozygotes.

Submissions (4):

Labcorp Genetics (formerly Invitae), Labcorp
Classification: Likely benign. Last evaluated: 2024-10-17. Review status: criteria provided, single submitter. Criteria: Invitae Variant Classification Sherloc (09022015). Collection method: clinical testing. Allele origin: germline.

Blueprint Genetics
Classification: Likely benign. Last evaluated: 2024-08-29. Review status: criteria provided, single submitter. Criteria: ACMG Guidelines, 2015. Collection method: clinical testing. Allele origin: germline.

Illumina Laboratory Services, Illumina
Classification: Uncertain significance for Autosomal dominant nonsyndromic hearing loss 4A. Last evaluated: 2018-01-13. Review status: criteria provided, single submitter. Criteria: ICSL Variant Classification Criteria 13 December 2019. Collection method: clinical testing. Allele origin: germline.

Laboratory for Molecular Medicine, Mass General Brigham Personalized Medicine
Classification: Likely benign. Last evaluated: 2012-04-30. Review status: criteria provided, single submitter. Criteria: LMM Criteria. Collection method: clinical testing. Allele origin: germline. Observed: 3 variant alleles.
Comment: Ala1195Ala in exon 28 of MYH14: This variant is not expected to have clinical si gnificance because it does not alter an amino acid residue, is not located withi n the splice consensus sequence, and has been identified in 1/8538 European Amer ican chromosomes by the NHLBI Exome Sequencing Project (.edu/EVS).

NM_001145809.2(MYH14):c.3585G>A (p.Ala1195=)

Gene: MYH14 (myosin heavy chain 14; plus strand). Cytogenetic location: 19q13.33.
Variant type: single nucleotide variant.
Coding change: c.3585G>A on transcript NM_001145809.2 (MANE Select); coding-DNA position 3585, G replaced by A.
Protein change: p.Ala1195=; no amino-acid change (alanine 1195 retained).
Molecular consequence: synonymous variant.
Genome position (GRCh38, 1-based): chr19:50,276,108, G>A. VCF-style: chr19-50276108-G-A. GRCh37 (hg19) VCF-style: chr19-50779365-G-A.
Other names: c.3486G>A, p.Ala1162= (NM_001077186.2); c.3462G>A, p.Ala1154= (NM_024729.4).
Identifiers: ClinVar variation 178419 (VCV000178419.12), dbSNP rs368190437, ClinGen allele CA182289.